The following is an entry in ClinVar:

ClinVar aggregate classification (germline): Pathogenic (1 of 4 stars; one submission).

Conditions:
Hypertrophic cardiomyopathy. Also called: HYPERTROPHIC MYOCARDIOPATHY. Identifiers: Orphanet 217569, MedGen C0007194, MeSH D002312, MONDO:0005045, HP:0001639.

Submission:

Labcorp Genetics (formerly Invitae), Labcorp
Classification: Pathogenic for Hypertrophic cardiomyopathy. Last evaluated: 2025-12-08. Review status: criteria provided, single submitter. Criteria: Invitae Variant Classification Sherloc (09022015). Collection method: clinical testing. Allele origin: germline.
Comment: This sequence change creates a premature translational stop signal (p.His210Argfs*30) in the MYBPC3 gene. It is expected to result in an absent or disrupted protein product. Loss-of-function variants in MYBPC3 are known to be pathogenic (PMID: 19574547). This variant is not present in population databases (gnomAD no frequency). This variant has not been reported in the literature in individuals affected with MYBPC3-related conditions. For these reasons, this variant has been classified as Pathogenic.

Literature cited by the submitters: PubMed 19574547.

NM_000256.3(MYBPC3):c.627_628del (p.His210fs)

Gene: MYBPC3 (myosin binding protein C3; minus strand). Cytogenetic location: 11p11.2.
Variant type: Deletion.
Coding change: c.627_628del on transcript NM_000256.3 (MANE Select); coding-DNA positions 627 to 628, 2 bases deleted (GC; older notation c.627_628delGC).
Protein change: p.His210fs; shifts the reading frame from histidine 210.
Molecular consequence: frameshift variant.
Genome position (GRCh38, 1-based): chr11:47,349,800-47,349,801, GC deleted on the plus strand (GC on the coding strand, the reverse complement: MYBPC3 is on the minus strand). VCF-style (leftmost placement, unchanged base first): chr11-47349799-TGC-T. GRCh37 (hg19) VCF-style: chr11-47371350-TGC-T.
Other names: short protein forms H210fs.
Identifiers: ClinVar variation 4720676 (VCV004720676.1).